The following is an entry in ClinVar:

NM_000059.4(BRCA2):c.3210A>G (p.Ala1070=)

Gene: BRCA2 (BRCA2 DNA repair associated; plus strand). Cytogenetic location: 13q13.1.
Variant type: single nucleotide variant.
Coding change: c.3210A>G on transcript NM_000059.4 (MANE Select); coding-DNA position 3210, A replaced by G.
Protein change: p.Ala1070=; no amino-acid change (alanine 1070 retained).
Molecular consequence: synonymous variant.
Genome position (GRCh38, 1-based): chr13:32,337,565, A>G. VCF-style: chr13-32337565-A-G. GRCh37 (hg19) VCF-style: chr13-32911702-A-G.
Identifiers: ClinVar variation 231344 (VCV000231344.21), dbSNP rs876659104, ClinGen allele CA10579566.

ClinVar aggregate classification (germline): Likely benign. Review status: reviewed by expert panel (3 of 4 stars). 6 submissions from 6 submitters: Likely benign (1). 5 of the submissions do not count toward it. Last evaluated 2017-06-29.

Conditions:
Breast-ovarian cancer, familial, susceptibility to, 2 (BROVCA2). Also called: BRCA2 Hereditary Breast and Ovarian Cancer. Identifiers: Orphanet 145, MedGen C2675520, MONDO:0012933, OMIM 612555. Disease mechanism: loss of function.
Hereditary cancer-predisposing syndrome. Also called: Hereditary Cancer Syndrome; Neoplastic Syndromes, Hereditary; Tumor predisposition; Hereditary neoplastic syndrome. Identifiers: Orphanet 140162, MedGen C0027672, MeSH D009386, MONDO:0015356.
Hereditary breast ovarian cancer syndrome. Also called: Hereditary breast and/or ovarian cancer syndrome; BRCA1- and BRCA2-Associated Hereditary Breast and Ovarian Cancer; Hereditary breast and ovarian cancer syndrome (HBOC); Hereditary breast and ovarian cancer; Hereditary breast and ovarian cancer syndrome; Breast and ovarian cancer. Identifiers: Orphanet 145, MedGen C0677776, MeSH D061325, MONDO:0003582. Disease mechanism: loss of function.

Allele frequency attached by ClinVar (database versions not stated): gnomAD exomes below 0.00001.

Submissions (6):

Evidence-based Network for the Interpretation of Germline Mutant Alleles (ENIGMA)
Classification: Likely benign for Breast-ovarian cancer, familial, susceptibility to, 2. Last evaluated: 2017-06-29. Review status: reviewed by expert panel. Criteria: ENIGMA BRCA1/2 Classification Criteria (2017-06-29). Collection method: curation. Allele origin: germline.
Comment: Synonymous substitution variant, with low bioinformatic likelihood to result in a splicing aberration (Splicing prior probability 0.02).

Labcorp Genetics (formerly Invitae), Labcorp
Classification: Likely benign for Hereditary breast ovarian cancer syndrome. Last evaluated: 2026-01-28. Review status: criteria provided, single submitter. Criteria: Invitae Variant Classification Sherloc (09022015). Collection method: clinical testing. Allele origin: germline. Not counted in ClinVar's aggregate classification.

All of Us Research Program, National Institutes of Health
Classification: Likely benign for Breast-ovarian cancer, familial, susceptibility to, 2. Last evaluated: 2023-06-28. Review status: criteria provided, single submitter. Criteria: ACMG Guidelines, 2015. Collection method: clinical testing. Allele origin: germline. Inheritance: Autosomal dominant inheritance. Observed: 1 variant allele, 1 heterozygote. Not counted in ClinVar's aggregate classification.
Comment: This study involves interpretation of variants in research participants for the purpose of population health screening. Participant phenotype was not available at the time of variant classification. Additional details can be found in publication PMID: 35346344, PMCID: PMC8962531

GeneDx
Classification: Likely benign. Last evaluated: 2021-01-19. Review status: criteria provided, single submitter. Criteria: GeneDx Variant Classification Process June 2021. Collection method: clinical testing. Allele origin: germline. Affected: yes. Not counted in ClinVar's aggregate classification.

Color Diagnostics, LLC DBA Color Health
Classification: Likely benign for Hereditary cancer-predisposing syndrome. Last evaluated: 2018-05-11. Review status: criteria provided, single submitter. Criteria: ACMG Guidelines, 2015. Collection method: clinical testing. Allele origin: germline. Not counted in ClinVar's aggregate classification.

Ambry Genetics
Classification: Likely benign for Hereditary cancer-predisposing syndrome. Last evaluated: 2015-04-09. Review status: criteria provided, single submitter. Criteria: Ambry Variant Classification Scheme 2023. Collection method: clinical testing. Allele origin: germline. Not counted in ClinVar's aggregate classification.